The following is an entry in ClinVar:

NM_024675.4(PALB2):c.2780A>T (p.Asp927Val)

Gene: PALB2 (partner and localizer of BRCA2; minus strand). Cytogenetic location: 16p12.2.
Variant type: single nucleotide variant.
Coding change: c.2780A>T on transcript NM_024675.4 (MANE Select); coding-DNA position 2780, A replaced by T.
Protein change: p.Asp927Val; replaces aspartic acid 927 with valine.
Molecular consequence: missense variant.
Genome position (GRCh38, 1-based): chr16:23,624,063, T>A on the plus strand (A>T on the coding strand, the complement: PALB2 is on the minus strand). VCF-style: chr16-23624063-T-A. GRCh37 (hg19) VCF-style: chr16-23635384-T-A.
Other names: short protein forms D927V.
Identifiers: ClinVar variation 421641 (VCV000421641.17), dbSNP rs62625280, ClinGen allele CA16620126.

ClinVar aggregate classification (germline): Uncertain significance. Review status: criteria provided, multiple submitters, no conflicts (2 of 4 stars). 4 submissions from 4 submitters: Uncertain significance (4). Last evaluated 2025-03-15.

Conditions:
Familial cancer of breast. Also called: Hereditary breast cancer; BREAST CANCER, FAMILIAL; hereditary breast carcinoma. Identifiers: Orphanet 227535, MedGen C0346153, MONDO:0016419, OMIM 114480. Disease mechanism: loss of function.
Hereditary cancer-predisposing syndrome. Also called: Hereditary neoplastic syndrome; Neoplastic Syndromes, Hereditary; Tumor predisposition; Hereditary Cancer Syndrome. Identifiers: Orphanet 140162, MedGen C0027672, MeSH D009386, MONDO:0015356.

Allele frequency attached by ClinVar (database versions not stated): gnomAD 0.00001.
gnomAD v4.1: 2 of 1,608,088 alleles (0.00012%); highest among the groups gnomAD compares: East Asian, 0.0022%; no homozygotes.

Submissions (4):

Ambry Genetics
Classification: Uncertain significance for Hereditary cancer-predisposing syndrome. Last evaluated: 2025-03-15. Review status: criteria provided, single submitter. Criteria: Ambry Variant Classification Scheme 2023. Collection method: clinical testing. Allele origin: germline.
Comment: The p.D927V variant (also known as c.2780A>T), located in coding exon 8 of the PALB2 gene, results from an A to T substitution at nucleotide position 2780. The aspartic acid at codon 927 is replaced by valine, an amino acid with highly dissimilar properties. This amino acid position is well conserved in available vertebrate species. In addition, the in silico prediction for this alteration is inconclusive. Since supporting evidence is limited at this time, the clinical significance of this alteration remains unclear.

Labcorp Genetics (formerly Invitae), Labcorp
Classification: Uncertain significance for Familial cancer of breast. Last evaluated: 2024-12-24. Review status: criteria provided, single submitter. Criteria: Invitae Variant Classification Sherloc (09022015). Collection method: clinical testing. Allele origin: germline.
Comment: This sequence change replaces aspartic acid, which is acidic and polar, with valine, which is neutral and non-polar, at codon 927 of the PALB2 protein (p.Asp927Val). This variant is not present in population databases (gnomAD no frequency). This variant has not been reported in the literature in individuals affected with PALB2-related conditions. ClinVar contains an entry for this variant (Variation ID: 421641). Invitae Evidence Modeling of protein sequence and biophysical properties (such as structural, functional, and spatial information, amino acid conservation, physicochemical variation, residue mobility, and thermodynamic stability) indicates that this missense variant is expected to disrupt PALB2 protein function with a positive predictive value of 80%. In summary, the available evidence is currently insufficient to determine the role of this variant in disease. Therefore, it has been classified as a Variant of Uncertain Significance.

Color Diagnostics, LLC DBA Color Health
Classification: Uncertain significance for Hereditary cancer-predisposing syndrome. Last evaluated: 2018-07-24. Review status: criteria provided, single submitter. Criteria: ACMG Guidelines, 2015. Collection method: clinical testing. Allele origin: germline.

GeneDx
Classification: Uncertain significance. Last evaluated: 2017-02-17. Review status: criteria provided, single submitter. Criteria: GeneDx Variant Classification (06012015). Collection method: clinical testing. Allele origin: germline. Affected: yes.
Comment: This variant is denoted PALB2 c.2780A>T at the cDNA level, p.Asp927Val (D927V) at the protein level, and results in the change of an Aspartic Acid to a Valine (GAT>GTT). This variant has not, to our knowledge, been published in the literature as pathogenic or benign. PALB2 Asp927Val was not observed in approximately 6,500 individuals of European and African American ancestry in the NHLBI Exome Sequencing Project, suggesting it is not a common benign variant in these populations. Since Aspartic Acid and Valine differ in polarity, charge, size or other properties, this is considered a non-conservative amino acid substitution. PALB2 Asp927Val occurs at a position that is conserved in mammals and is located in the second WD repeat in a region required for interaction with POLH, RAD51 and BRCA2 and a region required for POLH DNA synthesis stimulation (Uniprot). In silico analyses predict that this variant is probably damaging to protein structure and function. Based on currently available evidence, it is unclear whether PALB2 Asp927Val is a pathogenic or benign variant. We consider it to be a variant of uncertain significance.